The following is an entry in ClinVar:

ClinVar aggregate classification (germline): Uncertain significance (1 of 4 stars; one submission).

Conditions:
Cardiovascular phenotype. Identifiers: MedGen CN230736.

Submission:

Ambry Genetics
Classification: Uncertain significance for Cardiovascular phenotype. Last evaluated: 2026-03-11. Review status: criteria provided, single submitter. Criteria: Ambry Variant Classification Scheme 2023. Collection method: clinical testing. Allele origin: germline.
Comment: The p.A3267T variant (also known as c.9799G>A), located in coding exon 2 of the ZNF469 gene, results from a G to A substitution at nucleotide position 9799. The alanine at codon 3267 is replaced by threonine, an amino acid with similar properties. This amino acid position is conserved. In addition, this alteration is predicted to be tolerated by in silico analysis. Based on the available evidence, the clinical significance of this variant remains unclear.

NM_001127464.1:c.9799G>A

Gene: ZNF469 (zinc finger protein 469; plus strand).
Variant type: single nucleotide variant.
Identifiers: ClinVar variation 4826326 (VCV004826326.1).